The following is an entry in ClinVar:

NM_032242.4(PLXNA1):c.2659G>A (p.Glu887Lys)

Gene: PLXNA1 (plexin A1; plus strand). Cytogenetic location: 3q21.3.
Variant type: single nucleotide variant.
Coding change: c.2659G>A on transcript NM_032242.4 (MANE Select); coding-DNA position 2659, G replaced by A.
Protein change: p.Glu887Lys; replaces glutamic acid 887 with lysine.
Molecular consequence: missense variant.
Genome position (GRCh38, 1-based): chr3:127,014,532, G>A. VCF-style: chr3-127014532-G-A. GRCh37 (hg19) VCF-style: chr3-126733375-G-A.
Other names: short protein forms E887K.
Identifiers: ClinVar variation 2276193 (VCV002276193.3), dbSNP rs750386298, ClinGen allele CA2593719.

ClinVar aggregate classification (germline): Uncertain significance. Review status: criteria provided, multiple submitters, no conflicts (2 of 4 stars). 2 submissions from 2 submitters: Uncertain significance (2). Last evaluated 2024-10-26.

Conditions:
PLXNA1-related disorder. Also called: PLXNA1-related condition.

Allele frequency attached by ClinVar (database versions not stated): ExAC 0.00002; gnomAD exomes 0.00002; TOPMed 0.00002; gnomAD 0.00001.
gnomAD v4.1: 27 of 1,610,470 alleles (0.0017%); highest among the groups gnomAD compares: Middle Eastern, 0.016%; no homozygotes.

Submissions (2):

PreventionGenetics, part of Exact Sciences
Classification: Uncertain significance for PLXNA1-related condition. Last evaluated: 2024-10-26. Review status: criteria provided, single submitter. Criteria: ACMG Guidelines, 2015. Collection method: clinical testing. Allele origin: germline.
Comment: The PLXNA1 c.2659G>A variant is predicted to result in the amino acid substitution p.Glu887Lys. To our knowledge, this variant has not been reported in the literature. This variant is reported in 0.011% of alleles in individuals of East Asian descent in gnomAD. At this time, the clinical significance of this variant is uncertain due to the absence of conclusive functional and genetic evidence.

Ambry Genetics
Classification: Uncertain significance. Last evaluated: 2022-02-10. Review status: criteria provided, single submitter. Criteria: Ambry Variant Classification Scheme 2023. Collection method: clinical testing. Allele origin: germline.